The following is an entry in ClinVar:

ClinVar aggregate classification (germline): Uncertain significance (1 of 4 stars; one submission).

Submission:

Labcorp Genetics (formerly Invitae), Labcorp
Classification: Uncertain significance. Last evaluated: 2022-09-28. Review status: criteria provided, single submitter. Criteria: Invitae Variant Classification Sherloc (09022015). Collection method: clinical testing. Allele origin: germline.
Comment: This variant, c.61_63dup, results in the insertion of 1 amino acid(s) of the EIF2AK3 protein (p.Leu21dup), but otherwise preserves the integrity of the reading frame. The frequency data for this variant in the population databases is considered unreliable, as metrics indicate poor data quality at this position in the gnomAD database. This variant has not been reported in the literature in individuals affected with EIF2AK3-related conditions. Experimental studies and prediction algorithms are not available or were not evaluated, and the functional significance of this variant is currently unknown. In summary, the available evidence is currently insufficient to determine the role of this variant in disease. Therefore, it has been classified as a Variant of Uncertain Significance.

NM_004836.7(EIF2AK3):c.40CTG[9] (p.Leu21dup)

Gene: EIF2AK3 (eukaryotic translation initiation factor 2 alpha kinase 3; minus strand). Cytogenetic location: 2p11.2.
Variant type: Microsatellite.
Coding change: c.40CTG[9] on transcript NM_004836.7 (MANE Select); nine copies in a row of the 3-base unit CTG starting at c.40; the reference has eight copies in a row; one copy, 3 bases duplicated.
Protein change: p.Leu21dup; duplicates leucine 21.
Molecular consequence: inframe insertion.
Genome position (GRCh38, 1-based): chr2:88,627,212-88,627,214, CAG duplicated on the plus strand (CTG on the coding strand, the reverse complement: EIF2AK3 is on the minus strand); duplicating any 3 consecutive bases within chr2:88,627,212-88,627,236 gives the same sequence; the position shown is the placement nearest the transcript's 3' end. VCF-style (leftmost placement, unchanged base first): chr2-88627211-C-CCAG. GRCh37 (hg19) VCF-style: chr2-88926729-C-CCAG.
Identifiers: ClinVar variation 1352904 (VCV001352904.3), dbSNP rs1805190, ClinGen allele CA1755017.